The following is an entry in ClinVar:

NM_001497.4(B4GALT1):c.1065-12T>A

Gene: B4GALT1 (beta-1,4-galactosyltransferase 1; minus strand). Cytogenetic location: 9p21.1.
Variant type: single nucleotide variant.
Coding change: c.1065-12T>A on transcript NM_001497.4 (MANE Select); 12 bases into the intron before coding-DNA position 1065, T replaced by A.
Molecular consequence: intron variant.
Genome position (GRCh38, 1-based): chr9:33,113,598, A>T on the plus strand (T>A on the coding strand, the complement: B4GALT1 is on the minus strand). VCF-style: chr9-33113598-A-T. GRCh37 (hg19) VCF-style: chr9-33113596-A-T.
Other names: c.649-8817T>A (NM_001378497.1); c.942-12T>A (NM_001378496.1); c.1026-12T>A (NM_001378495.1).
Identifiers: ClinVar variation 391209 (VCV000391209.1), dbSNP rs374919621, ClinGen allele CA16605687.

ClinVar aggregate classification (germline): Likely benign (1 of 4 stars; one submission).

Allele frequency attached by ClinVar (database versions not stated): gnomAD exomes below 0.00001; ESP Exome Variant Server 0.00008.
gnomAD v4.1: 4 of 1,614,210 alleles (0.00025%); highest among the groups gnomAD compares: Non-Finnish European, 0.00034%; no homozygotes.

Submission:

GeneDx
Classification: Likely benign. Last evaluated: 2016-12-08. Review status: criteria provided, single submitter. Criteria: GeneDx Variant Classification (06012015). Collection method: clinical testing. Allele origin: germline. Affected: yes.
Comment: This variant is considered likely benign or benign based on one or more of the following criteria: it is a conservative change, it occurs at a poorly conserved position in the protein, it is predicted to be benign by multiple in silico algorithms, and/or has population frequency not consistent with disease.